The following is an entry in ClinVar:

NM_025074.7(FRAS1):c.6028C>T (p.Gln2010Ter)

Gene: FRAS1 (Fraser extracellular matrix complex subunit 1; plus strand). Cytogenetic location: 4q21.21.
Variant type: single nucleotide variant.
Coding change: c.6028C>T on transcript NM_025074.7 (MANE Select); coding-DNA position 6028, C replaced by T.
Protein change: p.Gln2010Ter; replaces glutamine 2010 with a stop codon.
Molecular consequence: nonsense.
Genome position (GRCh38, 1-based): chr4:78,448,070, C>T. VCF-style: chr4-78448070-C-T. GRCh37 (hg19) VCF-style: chr4-79369224-C-T.
Other names: short protein forms Q2010*.
Identifiers: ClinVar variation 2999637 (VCV002999637.3), dbSNP rs1718907702, ClinGen allele CA357392642.
Genomic context (GRCh38, chr4:78,448,070, plus strand): 5'-TGTATTCTACCATTGTTTTGCTTTTCTTTACCTCTTCCCTCAGGTCATGTACTCTGGAGG[C>T]AAACTGCTTCTGAGCCTCTGGAGAATGGGAGAGTTTTAGTCCAGGGCTCAACCTTCACCT-3'

ClinVar aggregate classification (germline): Pathogenic (1 of 4 stars; one submission).

Submission:

Labcorp Genetics (formerly Invitae), Labcorp
Classification: Pathogenic. Last evaluated: 2023-07-07. Review status: criteria provided, single submitter. Criteria: Invitae Variant Classification Sherloc (09022015). Collection method: clinical testing. Allele origin: germline.
Comment: This sequence change creates a premature translational stop signal (p.Gln2010*) in the FRAS1 gene. It is expected to result in an absent or disrupted protein product. Loss-of-function variants in FRAS1 are known to be pathogenic (PMID: 12766769, 18671281). This variant is not present in population databases (gnomAD no frequency). This variant has not been reported in the literature in individuals affected with FRAS1-related conditions. For these reasons, this variant has been classified as Pathogenic.

Literature cited by the submitters: PubMed 12766769; PubMed 18671281.